The following is an entry in ClinVar:

ClinVar aggregate classification (germline): Benign/Likely benign. Review status: criteria provided, single submitter (1 of 4 stars). 2 submissions from 1 submitter: Benign (1); Likely benign (1). Last evaluated 2018-01-13.

Conditions:
Noonan syndrome 4 (NS4). Also called: NOONAN SYNDROME WITH PIGMENTED VILLONODULAR SYNOVITIS; SOS1-Related Noonan Syndrome. Identifiers: Orphanet 648, MedGen C1853120, MONDO:0012547, OMIM 610733.
Fibromatosis, gingival, 1 (GINGF1). Identifiers: Orphanet 2024, MedGen C4551558, MONDO:0007609, OMIM 135300.

Allele frequency attached by ClinVar (database versions not stated): gnomAD 0.00038 and 0.00039; 1000 Genomes Project 0.00040; TOPMed 0.00046; 1000 Genomes Project 30x 0.00047.

Submissions (2):

Illumina Laboratory Services, Illumina
Classification: Likely benign for Noonan syndrome 4. Last evaluated: 2018-01-13. Review status: criteria provided, single submitter. Criteria: ICSL Variant Classification Criteria 13 December 2019. Collection method: clinical testing. Allele origin: germline.
Comment: This variant was observed in the ICSL laboratory as part of a predisposition screen in an ostensibly healthy population. It had not been previously curated by ICSL or reported in the Human Gene Mutation Database (HGMD: prior to June 1st, 2018), and was therefore a candidate for classification through an automated scoring system. Utilizing variant allele frequency, disease prevalence and penetrance estimates, and inheritance mode, an automated score was calculated to assess if this variant is too frequent to cause the disease. Based on the score and internal cut-off values, a variant classified as likely benign is not then subjected to further curation. The score for this variant resulted in a classification of likely benign for this disease.

Illumina Laboratory Services, Illumina
Classification: Benign for Fibromatosis, gingival, 1. Last evaluated: 2018-01-13. Review status: criteria provided, single submitter. Criteria: ICSL Variant Classification Criteria 13 December 2019. Collection method: clinical testing. Allele origin: germline.
Comment: This variant was observed in the ICSL laboratory as part of a predisposition screen in an ostensibly healthy population. It had not been previously curated by ICSL or reported in the Human Gene Mutation Database (HGMD: prior to June 1st, 2018), and was therefore a candidate for classification through an automated scoring system. Utilizing variant allele frequency, disease prevalence and penetrance estimates, and inheritance mode, an automated score was calculated to assess if this variant is too frequent to cause the disease. Based on the score and internal cut-off values, a variant classified as benign is not then subjected to further curation. The score for this variant resulted in a classification of benign for this disease.

NM_005633.4(SOS1):c.*1085A>G

Gene: SOS1 (SOS Ras/Rac guanine nucleotide exchange factor 1; minus strand). Cytogenetic location: 2p22.1.
Variant type: single nucleotide variant.
Coding change: c.*1085A>G on transcript NM_005633.4 (MANE Select); 1085 bases downstream of the stop codon, A replaced by G.
Molecular consequence: 3 prime UTR variant.
Genome position (GRCh38, 1-based): chr2:38,984,739, T>C on the plus strand (A>G on the coding strand, the complement: SOS1 is on the minus strand). VCF-style: chr2-38984739-T-C. GRCh37 (hg19) VCF-style: chr2-39211880-T-C.
Other names: c.*1085A>G (NM_001382394.1, NM_001382395.1).
Identifiers: ClinVar variation 897601 (VCV000897601.4), dbSNP rs539192287, ClinGen allele CA45672738.